The following is an entry in ClinVar:

NM_024675.4(PALB2):c.1273G>A (p.Val425Met)

Gene: PALB2 (partner and localizer of BRCA2; minus strand). Cytogenetic location: 16p12.2.
Variant type: single nucleotide variant.
Coding change: c.1273G>A on transcript NM_024675.4 (MANE Select); coding-DNA position 1273, G replaced by A.
Protein change: p.Val425Met; replaces valine 425 with methionine.
Molecular consequence: missense variant.
Genome position (GRCh38, 1-based): chr16:23,635,273, C>T on the plus strand (G>A on the coding strand, the complement: PALB2 is on the minus strand). VCF-style: chr16-23635273-C-T. GRCh37 (hg19) VCF-style: chr16-23646594-C-T.
Other names: short protein forms V425M.
Identifiers: ClinVar variation 187458 (VCV000187458.47), dbSNP rs576081828, ClinGen allele CA197697.

ClinVar aggregate classification (germline): Conflicting classifications of pathogenicity. Review status: criteria provided, conflicting classifications (1 of 4 stars). 16 submissions from 16 submitters: Uncertain significance (1); Benign (1); Likely benign (10). 4 of the submissions do not count toward it. Last evaluated 2026-01-27.

Conditions:
PALB2-related disorder. Also called: PALB2-related condition; PALB2-related disorders.
Breast and/or ovarian cancer. Identifiers: MedGen CN221562.
Hereditary cancer-predisposing syndrome. Also called: Tumor predisposition; Neoplastic Syndromes, Hereditary; Hereditary neoplastic syndrome; Hereditary Cancer Syndrome. Identifiers: Orphanet 140162, MedGen C0027672, MeSH D009386, MONDO:0015356.
Hereditary breast ovarian cancer syndrome. Also called: Hereditary breast and ovarian cancer syndrome; Hereditary breast and ovarian cancer syndrome (HBOC); Hereditary breast and ovarian cancer; Breast and ovarian cancer; BRCA1- and BRCA2-Associated Hereditary Breast and Ovarian Cancer; Hereditary breast and/or ovarian cancer syndrome. Identifiers: Orphanet 145, MedGen C0677776, MeSH D061325, MONDO:0003582. Disease mechanism: loss of function.
Familial cancer of breast. Also called: BREAST CANCER, FAMILIAL; hereditary breast carcinoma; Hereditary breast cancer. Identifiers: Orphanet 227535, MedGen C0346153, MONDO:0016419, OMIM 114480. Disease mechanism: loss of function.
Malignant tumor of breast. Also called: Malignant breast neoplasm; Cancer breast. Identifiers: MedGen C0006142, MONDO:0007254. Disease mechanism: loss of function.

Allele frequency attached by ClinVar (database versions not stated): 1000 Genomes Project 30x 0.00016; 1000 Genomes Project 0.00020; gnomAD exomes 0.00020; ExAC 0.00022; TOPMed 0.00005; gnomAD 0.00006 and 0.00013.
gnomAD v4.1: 150 of 1,614,148 alleles (0.0093%); highest among the groups gnomAD compares: South Asian, 0.091%; no homozygotes.

Submissions (16):

Labcorp Genetics (formerly Invitae), Labcorp
Classification: Benign for Familial cancer of breast. Last evaluated: 2026-01-27. Review status: criteria provided, single submitter. Criteria: Invitae Variant Classification Sherloc (09022015). Collection method: clinical testing. Allele origin: germline.

Women's Health and Genetics/Laboratory Corporation of America, LabCorp
Classification: Likely benign. Last evaluated: 2025-10-17. Review status: criteria provided, single submitter. Criteria: LabCorp Variant Classification Summary - May 2015. Collection method: clinical testing. Allele origin: germline.

ARUP Laboratories, Molecular Genetics and Genomics, ARUP Laboratories
Classification: Likely benign. Last evaluated: 2025-07-24. Review status: criteria provided, single submitter. Criteria: ARUP Molecular Germline Variant Investigation Process 2024. Collection method: clinical testing. Allele origin: germline.

Quest Diagnostics Nichols Institute San Juan Capistrano
Classification: Likely benign. Last evaluated: 2025-07-08. Review status: criteria provided, single submitter. Criteria: Quest Diagnostics criteria. Collection method: clinical testing. Allele origin: unknown.

Blueprint Genetics
Classification: Uncertain significance. Last evaluated: 2024-07-23. Review status: criteria provided, single submitter. Criteria: ACMG Guidelines, 2015. Collection method: clinical testing. Allele origin: germline.

German Consortium for Hereditary Breast and Ovarian Cancer, University Hospital Cologne
Classification: Likely benign for Hereditary breast ovarian cancer syndrome. Last evaluated: 2024-04-09. Review status: criteria provided, single submitter. Criteria: ClinGen PALB2 V1.0.0. Collection method: curation. Allele origin: germline.
Comment: According to the ClinGen ACMG PALB2 v1.0.0 criteria we chose these criteria: BP1 (supporting benign): Missense variant in a gene for which primarily truncating variants are known to cause disease., BS1 (strong benign): GnomAD Filtering Allele Frequency greater than expected for disease >.01%. gnomAD v2.1.1: 0x homo, 57x het, MAF 0,02%

CHEO Genetics Diagnostic Laboratory, Children's Hospital of Eastern Ontario
Classification: Likely benign for Breast and/or ovarian cancer. Last evaluated: 2023-05-25. Review status: criteria provided, single submitter. Criteria: ACMG Guidelines, 2015. Collection method: clinical testing. Allele origin: germline.

Myriad Genetics, Inc.
Classification: Likely benign for Familial cancer of breast. Last evaluated: 2023-03-30. Review status: criteria provided, single submitter. Criteria: Myriad Autosomal Dominant, Autosomal Recessive and X-Linked Classification Criteria (2023). Collection method: clinical testing. Allele origin: unknown.
Comment: This variant is considered likely benign. This variant is strongly associated with less severe personal and family histories of cancer, typical for individuals without pathogenic variants in this gene [PMID: 25085752].

Sema4
Classification: Likely benign for Hereditary cancer-predisposing syndrome. Last evaluated: 2021-08-25. Review status: criteria provided, single submitter. Criteria: Sema4 Curation Guidelines. Collection method: curation. Allele origin: germline.

GeneDx
Classification: Likely benign. Last evaluated: 2021-01-15. Review status: criteria provided, single submitter. Criteria: GeneDx Variant Classification Process June 2021. Collection method: clinical testing. Allele origin: germline. Affected: yes.
Comment: This variant is associated with the following publications: (PMID: 20722467, 28825143, 18446436, 21618343, 25980754, 29387807, 26489409)

Ambry Genetics
Classification: Likely benign for Hereditary cancer-predisposing syndrome. Last evaluated: 2020-12-02. Review status: criteria provided, single submitter. Criteria: Ambry Variant Classification Scheme 2023. Collection method: clinical testing. Allele origin: germline.

Color Diagnostics, LLC DBA Color Health
Classification: Likely benign for Hereditary cancer-predisposing syndrome. Last evaluated: 2020-04-07. Review status: criteria provided, single submitter. Criteria: ACMG Guidelines, 2015. Collection method: clinical testing. Allele origin: germline.

PreventionGenetics, part of Exact Sciences
Classification: Likely benign for PALB2-related condition. Last evaluated: 2023-04-10. Review status: no assertion criteria provided. Collection method: clinical testing. Allele origin: germline. Not counted in ClinVar's aggregate classification.
Comment: This variant is classified as likely benign based on ACMG/AMP sequence variant interpretation guidelines (Richards et al. 2015 PMID: 25741868, with internal and published modifications).

Leiden Open Variation Database
Classification: Benign. Last evaluated: 2018-10-10. Review status: no assertion criteria provided. Collection method: curation. Allele origin: germline. Affected: yes. Not counted in ClinVar's aggregate classification.
Comment: Curators: Marc Tischkowitz, Arleen D. Auerbach. Submitter to LOVD: Yukihide Momozawa.

Counsyl
Classification: Uncertain significance for Familial cancer of breast. Last evaluated: 2017-07-25. Review status: no assertion criteria provided. Collection method: clinical testing. Allele origin: unknown. Not counted in ClinVar's aggregate classification.

Department of Pathology and Laboratory Medicine, Sinai Health System
Classification: Uncertain significance for Malignant tumor of breast. Review status: no assertion criteria provided. Collection method: clinical testing. Allele origin: unknown. Affected: yes. Study: The Canadian Open Genetics Repository (COGR). Not counted in ClinVar's aggregate classification.
Comment: PALB2, EXON4, c.1273G>A, p.Val425Met, Heterozygous, Uncertain Significance The PALB2 p.Val425Met variant was identified in 8 of 19,474 proband chromosomes (frequency: 0.0004) from individuals with breast cancer or Lynch syndrome and was present in 9 of 23,568 control chromosomes (frequency: 0.0004) from healthy individuals (Momozawa 2018, Li 2015, Yurgelun 2015, Cao 2008, Hellebrand 2011, Guenard 2010). The variant was also identified in dbSNP (rs576081828) as â€šÃ„Ãºwith uncertain significance alleleâ€šÃ„Ã¹, ClinVar (classified as uncertain significance by GeneDx and 3 others and as likely benign by Invitae). The variant was identified in control databases in 59 of 276,862 chromosomes at a frequency of 0.0002 (Genome Aggregation Database Feb 27, 2017). The variant was observed in the following populations: East Asian in 27 of 18,866 chromosomes (freq: 0.001), Other in 1 of 6464 chromosomes (freq: 0.0002), European in 10 of 126,422 chromosomes (freq: 0.00008), and South Asian in 21 of 30,776 chromosomes (freq: 0.0007); it was not observed in the African, Latino, Ashkenazi Jewish or Finnish populations. The p.Val425Met residue is not conserved in mammals and four out of five computational analyses (PolyPhen-2, SIFT, AlignGVGD, BLOSUM, MutationTaster) do not suggest a high likelihood of impact to the protein; however, this information is not predictive enough to rule out pathogenicity. The variant occurs outside of the splicing consensus sequence and in silico or computational prediction software programs (SpliceSiteFinder, MaxEntScan, NNSPLICE, GeneSplicer) do not predict a difference in splicing. In summary, based on the above information, the clinical significance of this variant cannot be determined with certainty at this time. This variant is classified as a variant of uncertain significance.

Literature cited by the submitters: PubMed 32041954 (cited by Quest Diagnostics Nichols Institute San Juan Capistrano); PubMed 28135145 (cited by Quest Diagnostics Nichols Institute San Juan Capistrano and Counsyl); PubMed 32561490 (cited by Quest Diagnostics Nichols Institute San Juan Capistrano); PubMed 35610400 (cited by Quest Diagnostics Nichols Institute San Juan Capistrano); PubMed 33309985 (cited by Quest Diagnostics Nichols Institute San Juan Capistrano); PubMed 32885271 (cited by Quest Diagnostics Nichols Institute San Juan Capistrano); PubMed 31214711 (cited by Quest Diagnostics Nichols Institute San Juan Capistrano); PubMed 36243179 (cited by Quest Diagnostics Nichols Institute San Juan Capistrano); PubMed 30287823 (cited by Quest Diagnostics Nichols Institute San Juan Capistrano and Leiden Open Variation Database); PubMed 21618343 (cited by 3 submitters); PubMed 26489409 (cited by 3 submitters); PubMed 28825143 (cited by Quest Diagnostics Nichols Institute San Juan Capistrano and Ambry Genetics); PubMed 25980754 (cited by Quest Diagnostics Nichols Institute San Juan Capistrano); PubMed 18446436 (cited by 3 submitters); PubMed 20722467 (cited by 3 submitters); PubMed 29387807 (cited by Quest Diagnostics Nichols Institute San Juan Capistrano and Ambry Genetics); PubMed 25085752 (cited by Myriad Genetics, Inc.).